The following is an entry in ClinVar:

ClinVar aggregate classification (germline): Uncertain significance. Review status: criteria provided, multiple submitters, no conflicts (2 of 4 stars). 2 submissions from 2 submitters: Uncertain significance (2). Last evaluated 2024-11-12.

Conditions:
MEGF8-related Carpenter syndrome. Also called: Carpenter syndrome 2. Identifiers: Orphanet 65759, MedGen C3554247, MONDO:0013998, OMIM 614976.

Allele frequency attached by ClinVar (database versions not stated): TOPMed 0.00003; gnomAD 0.00004; gnomAD exomes 0.00006 and 0.00007; ExAC 0.00021.

Submissions (2):

Labcorp Genetics (formerly Invitae), Labcorp
Classification: Uncertain significance for MEGF8-related Carpenter syndrome. Last evaluated: 2024-11-12. Review status: criteria provided, single submitter. Criteria: Invitae Variant Classification Sherloc (09022015). Collection method: clinical testing. Allele origin: germline.
Comment: This sequence change replaces glycine, which is neutral and non-polar, with arginine, which is basic and polar, at codon 2695 of the MEGF8 protein (p.Gly2695Arg). This variant is present in population databases (rs770472361, gnomAD 0.01%). This variant has not been reported in the literature in individuals affected with MEGF8-related conditions. ClinVar contains an entry for this variant (Variation ID: 1194428). An algorithm developed to predict the effect of missense changes on protein structure and function (PolyPhen-2) suggests that this variant is likely to be disruptive. In summary, the available evidence is currently insufficient to determine the role of this variant in disease. Therefore, it has been classified as a Variant of Uncertain Significance.

GeneDx
Classification: Uncertain significance. Last evaluated: 2023-11-29. Review status: criteria provided, single submitter. Criteria: GeneDx Variant Classification Process June 2021. Collection method: clinical testing. Allele origin: germline. Affected: yes.
Comment: In silico analysis supports that this missense variant does not alter protein structure/function; Has not been previously published as pathogenic or benign to our knowledge

NM_001271938.2(MEGF8):c.8284G>A (p.Gly2762Arg)

Gene: MEGF8 (multiple EGF like domains 8; plus strand). Cytogenetic location: 19q13.2.
Variant type: single nucleotide variant.
Coding change: c.8284G>A on transcript NM_001271938.2 (MANE Select); coding-DNA position 8284, G replaced by A.
Protein change: p.Gly2762Arg; replaces glycine 2762 with arginine.
Molecular consequence: missense variant.
Genome position (GRCh38, 1-based): chr19:42,376,521, G>A. VCF-style: chr19-42376521-G-A. GRCh37 (hg19) VCF-style: chr19-42880673-G-A.
Other names: c.8083G>A, p.Gly2695Arg (NM_001410.3); short protein forms G2695R, G2762R.
Identifiers: ClinVar variation 1194428 (VCV001194428.7), dbSNP rs770472361, ClinGen allele CA9476358.